The following is an entry in ClinVar:

NM_005618.4(DLL1):c.1685G>C (p.Cys562Ser)

Gene: DLL1 (delta like canonical Notch ligand 1; minus strand). Cytogenetic location: 6q27.
Variant type: single nucleotide variant.
Coding change: c.1685G>C on transcript NM_005618.4 (MANE Select); coding-DNA position 1685, G replaced by C.
Protein change: p.Cys562Ser; replaces cysteine 562 with serine.
Molecular consequence: missense variant.
Genome position (GRCh38, 1-based): chr6:170,283,594, C>G on the plus strand (G>C on the coding strand, the complement: DLL1 is on the minus strand). VCF-style: chr6-170283594-C-G. GRCh37 (hg19) VCF-style: chr6-170592682-C-G.
Other names: short protein forms C562S.
Identifiers: ClinVar variation 3723547 (VCV003723547.2).

ClinVar aggregate classification (germline): Uncertain significance (1 of 4 stars; one submission).

Submission:

Labcorp Genetics (formerly Invitae), Labcorp
Classification: Uncertain significance. Last evaluated: 2024-10-22. Review status: criteria provided, single submitter. Criteria: Invitae Variant Classification Sherloc (09022015). Collection method: clinical testing. Allele origin: germline.
Comment: This sequence change replaces cysteine, which is neutral and slightly polar, with serine, which is neutral and polar, at codon 562 of the DLL1 protein (p.Cys562Ser). This variant is not present in population databases (gnomAD no frequency). This variant has not been reported in the literature in individuals affected with DLL1-related conditions. An algorithm developed to predict the effect of missense changes on protein structure and function (PolyPhen-2) suggests that this variant is likely to be tolerated. In summary, the available evidence is currently insufficient to determine the role of this variant in disease. Therefore, it has been classified as a Variant of Uncertain Significance.